The following is an entry in ClinVar:

ClinVar aggregate classification (germline): Uncertain significance (1 of 4 stars; one submission).

Conditions:
Neuronal ceroid lipofuscinosis 7 (CLN7). Also called: MFSD8-Related Neuronal Ceroid-Lipofuscinosis. Identifiers: Orphanet 168491, Orphanet 228366, MedGen C1838571, MONDO:0012588, OMIM 610951.

Allele frequency attached by ClinVar (database versions not stated): gnomAD 0.00003; TOPMed 0.00003.
gnomAD v4.1: 17 of 1,614,078 alleles (0.0011%); highest among the groups gnomAD compares: Admixed American, 0.005%; no homozygotes.

Submission:

Labcorp Genetics (formerly Invitae), Labcorp
Classification: Uncertain significance for Neuronal ceroid lipofuscinosis 7. Last evaluated: 2022-05-05. Review status: criteria provided, single submitter. Criteria: Invitae Variant Classification Sherloc (09022015). Collection method: clinical testing. Allele origin: germline.
Comment: This sequence change replaces methionine, which is neutral and non-polar, with valine, which is neutral and non-polar, at codon 391 of the MFSD8 protein (p.Met391Val). This variant is present in population databases (no rsID available, gnomAD 0.009%). This variant has not been reported in the literature in individuals affected with MFSD8-related conditions. Algorithms developed to predict the effect of missense changes on protein structure and function output the following: SIFT: "Tolerated"; PolyPhen-2: "Benign"; Align-GVGD: "Class C0". The valine amino acid residue is found in multiple mammalian species, which suggests that this missense change does not adversely affect protein function. In summary, the available evidence is currently insufficient to determine the role of this variant in disease. Therefore, it has been classified as a Variant of Uncertain Significance.

NM_001371596.2(MFSD8):c.1171A>G (p.Met391Val)

Gene: MFSD8 (major facilitator superfamily domain containing 8; minus strand). Cytogenetic location: 4q28.2.
Variant type: single nucleotide variant.
Coding change: c.1171A>G on transcript NM_001371596.2 (MANE Select); coding-DNA position 1171, A replaced by G.
Protein change: p.Met391Val; replaces methionine 391 with valine.
Molecular consequence: missense variant.
Genome position (GRCh38, 1-based): chr4:127,921,703, T>C on the plus strand (A>G on the coding strand, the complement: MFSD8 is on the minus strand). VCF-style: chr4-127921703-T-C. GRCh37 (hg19) VCF-style: chr4-128842858-T-C.
Other names: c.970A>G, p.Met324Val (NM_001363520.3); c.856A>G, p.Met286Val (NM_001363521.3); c.1036A>G, p.Met346Val (NM_001371590.2); c.1171A>G, p.Met391Val (NM_001371591.2, NM_152778.4); c.1177A>G, p.Met393Val (NM_001371592.2); c.1057A>G, p.Met353Val (NM_001371593.2); c.1024A>G, p.Met342Val (NM_001371594.2); c.889A>G, p.Met297Val (NM_001371595.1); and 2 more; short protein forms M297V, M346V, M353V, M393V, M241V, M324V, M342V, M286V.
Identifiers: ClinVar variation 2193941 (VCV002193941.1), dbSNP rs763226224, ClinGen allele CA358171340.